The following is an entry in ClinVar:

ClinVar aggregate classification (germline): Uncertain significance (1 of 4 stars; one submission).

Conditions:
Hereditary cancer-predisposing syndrome. Also called: Tumor predisposition; Hereditary Cancer Syndrome; Hereditary neoplastic syndrome; Neoplastic Syndromes, Hereditary. Identifiers: Orphanet 140162, MedGen C0027672, MeSH D009386, MONDO:0015356.

Submission:

Ambry Genetics
Classification: Uncertain significance for Hereditary cancer-predisposing syndrome. Last evaluated: 2026-02-02. Review status: criteria provided, single submitter. Criteria: Ambry Variant Classification Scheme 2023. Collection method: clinical testing. Allele origin: germline.
Comment: The c.316+5G>C intronic variant results from a G to C substitution 5 nucleotides after coding exon 2 in the POLD1 gene. This nucleotide position is highly conserved in available vertebrate species. In silico splice site analysis predicts that this alteration will weaken the native splice donor site and will result in the creation or strengthening of a novel splice donor site. Based on the available evidence, the clinical significance of this variant remains unclear.

NM_002691.4(POLD1):c.316+5G>C

Gene: POLD1 (DNA polymerase delta 1, catalytic subunit; plus strand). Cytogenetic location: 19q13.33.
Variant type: single nucleotide variant.
Coding change: c.316+5G>C on transcript NM_002691.4 (MANE Select); 5 bases into the intron after coding-DNA position 316, G replaced by C.
Molecular consequence: intron variant.
Genome position (GRCh38, 1-based): chr19:50,399,489, G>C. VCF-style: chr19-50399489-G-C. GRCh37 (hg19) VCF-style: chr19-50902746-G-C.
Other names: c.316+5G>C (NM_001256849.1, NM_001308632.1).
Identifiers: ClinVar variation 1728300 (VCV001728300.3), dbSNP rs2122203909, ClinGen allele CA2580097624.